The following is an entry in ClinVar:

ClinVar aggregate classification (germline): Uncertain significance (1 of 4 stars; one submission).

Conditions:
Syndromic X-linked intellectual disability 94 (MRXSW). Also called: MENTAL RETARDATION, X-LINKED, SYNDROMIC 29; X-linked intellectual disability due to GRIA3 anomalies. Identifiers: Orphanet 364028, MedGen C2678051, MONDO:0010402, OMIM 300699.

Submission:

Baylor Genetics
Classification: Uncertain significance for Syndromic X-linked intellectual disability 94. Last evaluated: 2019-12-06. Review status: criteria provided, single submitter. Criteria: ACMG Guidelines, 2015. Collection method: clinical testing. Allele origin: unknown. Affected: yes.
Comment: This variant was determined to be of uncertain significance according to ACMG Guidelines, 2015 [PMID:25741868].

NM_007325.5(GRIA3):c.1209A>C (p.Glu403Asp)

Gene: GRIA3 (glutamate ionotropic receptor AMPA type subunit 3; plus strand). Cytogenetic location: Xq25.
Variant type: single nucleotide variant.
Coding change: c.1209A>C on transcript NM_007325.5 (MANE Select); coding-DNA position 1209, A replaced by C.
Protein change: p.Glu403Asp; replaces glutamic acid 403 with aspartic acid.
Molecular consequence: missense variant.
Genome position (GRCh38, 1-based): chrX:123,403,435, A>C. VCF-style: chrX-123403435-A-C. GRCh37 (hg19) VCF-style: chrX-122537286-A-C.
Other names: c.1209A>C, p.Glu403Asp (NM_000828.5); short protein forms E403D.
Identifiers: ClinVar variation 1028873 (VCV001028873.1), dbSNP rs2045453992, ClinGen allele CA414258677.